The following is an entry in ClinVar:

ClinVar aggregate classification (germline): Uncertain significance (1 of 4 stars; one submission).

Conditions:
Hypertrophic cardiomyopathy 25 (CMH25). Also called: CARDIOMYOPATHY, FAMILIAL HYPERTROPHIC, 25. Identifiers: MedGen C4225408, MONDO:0011843, OMIM 607487.
Primary familial hypertrophic cardiomyopathy (HCM). Identifiers: Orphanet 99739, MedGen C0949658, MeSH D024741, MONDO:0024573. Inheritance: Various modes of inheritance.

Allele frequency attached by ClinVar (database versions not stated): gnomAD exomes below 0.00001 and 0.00001; TOPMed below 0.00001; gnomAD 0.00001.

Submission:

Labcorp Genetics (formerly Invitae), Labcorp
Classification: Uncertain significance for Hypertrophic cardiomyopathy 25; Primary familial hypertrophic cardiomyopathy. Last evaluated: 2024-02-24. Review status: criteria provided, single submitter. Criteria: Invitae Variant Classification Sherloc (09022015). Collection method: clinical testing. Allele origin: germline.
Comment: This sequence change replaces proline, which is neutral and non-polar, with leucine, which is neutral and non-polar, at codon 141 of the TCAP protein (p.Pro141Leu). This variant is present in population databases (no rsID available, gnomAD 0.0009%). This missense change has been observed in individual(s) with dilated cardiomyopathy (PMID: 36252119). ClinVar contains an entry for this variant (Variation ID: 1441021). An algorithm developed to predict the effect of missense changes on protein structure and function (PolyPhen-2) suggests that this variant is likely to be disruptive. In summary, the available evidence is currently insufficient to determine the role of this variant in disease. Therefore, it has been classified as a Variant of Uncertain Significance.

Literature cited by the submitters: PubMed 36252119.

NM_003673.4(TCAP):c.422C>T (p.Pro141Leu)

Gene: TCAP (titin-cap; plus strand). Cytogenetic location: 17q12.
Variant type: single nucleotide variant.
Coding change: c.422C>T on transcript NM_003673.4 (MANE Select); coding-DNA position 422, C replaced by T.
Protein change: p.Pro141Leu; replaces proline 141 with leucine.
Molecular consequence: missense variant.
Genome position (GRCh38, 1-based): chr17:39,666,027, C>T. VCF-style: chr17-39666027-C-T. GRCh37 (hg19) VCF-style: chr17-37822280-C-T.
Other names: short protein forms P141L.
Identifiers: ClinVar variation 1441021 (VCV001441021.8), dbSNP rs1168993495, ClinGen allele CA399305828.
Genomic context (GRCh38, chr17:39,666,027, plus strand): 5'-CAGCCCTGGGTGGCCAGTGTGTGGACCGCCAGGAGGTGGCTGAGATCACAAAGCAGCTGC[C>T]CCCTGTGGTGCCTGTCAGCAAGCCCGGTGCACTTCGTCGCTCCCTGTCCCGCTCCATGTC-3'
Protein context (NP_003664.1, residues 131-151): QEVAEITKQL[Pro141Leu]PVVPVSKPGA